The following is an entry in ClinVar:

NM_000444.6(PHEX):c.426C>A (p.Cys142Ter)

Gene: PHEX (phosphate regulating endopeptidase homolog X-linked; plus strand). Cytogenetic location: Xp22.11.
Variant type: single nucleotide variant.
Coding change: c.426C>A on transcript NM_000444.6 (MANE Select); coding-DNA position 426, C replaced by A.
Protein change: p.Cys142Ter; replaces cysteine 142 with a stop codon.
Molecular consequence: nonsense.
Genome position (GRCh38, 1-based): chrX:22,076,464, C>A. VCF-style: chrX-22076464-C-A. GRCh37 (hg19) VCF-style: chrX-22094582-C-A.
Other names: c.426C>A, p.Cys142Ter (NM_001282754.2); short protein forms C142*.
Identifiers: ClinVar variation 372450 (VCV000372450.2), dbSNP rs1057517787, ClinGen allele CA16043220.
Genomic context (GRCh38, chrX:22,076,464, plus strand): 5'-AATCAGTAGAAGGCGGGACACCGAAGCCATACAGAAAGCCAAAATCCTTTATTCATCCTG[C>A]ATGAATGAGAGTGAGTGATGAAGAAAACTAAATAAAATATTTACCATCCCTATCCTTTAG-3'

ClinVar aggregate classification (germline): Pathogenic (1 of 4 stars; one submission).

Submission:

GeneDx
Classification: Pathogenic. Last evaluated: 2016-05-27. Review status: criteria provided, single submitter. Criteria: GeneDx Variant Classification (06012015). Collection method: clinical testing. Allele origin: germline. Affected: yes.
Comment: The C142X nonsense variant in the PHEX gene is predicted to cause loss of normal protein function either through protein truncation or nonsense-mediated mRNA decay. Although this variant has not been reported previously to our knowledge, we interpret it as pathogenic.